The following is an entry in ClinVar:

NM_000275.3(OCA2):c.1346dup (p.Thr450fs)

Gene: OCA2 (OCA2 melanosomal transmembrane protein; minus strand). Cytogenetic location: 15q13.1.
Variant type: Duplication.
Coding change: c.1346dup on transcript NM_000275.3 (MANE Select); coding-DNA position 1346, one base duplicated (T; older notation c.1346dupT).
Protein change: p.Thr450fs; shifts the reading frame from threonine 450.
Molecular consequence: frameshift variant.
Genome position (GRCh38, 1-based): chr15:27,985,082, A duplicated on the plus strand (T on the coding strand, the reverse complement: OCA2 is on the minus strand); the first of 2 consecutive A bases (chr15:27,985,082-27,985,083); duplicating either gives the same sequence. VCF-style (leftmost placement, unchanged base first): chr15-27985081-G-GA. GRCh37 (hg19) VCF-style: chr15-28230227-G-GA.
Other names: c.1274dup, p.Thr426fs (NM_001300984.2); short protein forms T450fs, T426fs.
Identifiers: ClinVar variation 1435943 (VCV001435943.6), dbSNP rs2140978976, ClinGen allele CA2573150576.

ClinVar aggregate classification (germline): Pathogenic (1 of 4 stars; one submission).

Submission:

Labcorp Genetics (formerly Invitae), Labcorp
Classification: Pathogenic. Last evaluated: 2021-11-02. Review status: criteria provided, single submitter. Criteria: Invitae Variant Classification Sherloc (09022015). Collection method: clinical testing. Allele origin: germline.
Comment: For these reasons, this variant has been classified as Pathogenic. This variant has not been reported in the literature in individuals affected with OCA2-related conditions. This variant is not present in population databases (gnomAD no frequency). This sequence change creates a premature translational stop signal (p.Thr450Hisfs*9) in the OCA2 gene. It is expected to result in an absent or disrupted protein product. Loss-of-function variants in OCA2 are known to be pathogenic (PMID: 19865097, 21541274).

Literature cited by the submitters: PubMed 19865097; PubMed 21541274.